The following is an entry in ClinVar:

ClinVar aggregate classification (germline): Uncertain significance. Review status: criteria provided, multiple submitters, no conflicts (2 of 4 stars). 3 submissions from 3 submitters: Uncertain significance (3). Last evaluated 2024-11-13.

Conditions:
Dilated cardiomyopathy 1G (CMD1G). Identifiers: Orphanet 154, MedGen C1858763, MONDO:0011400, OMIM 604145.
Autosomal recessive limb-girdle muscular dystrophy type 2J (LGMDR10). Also called: Limb-girdle muscular dystrophy, type 2J; MUSCULAR DYSTROPHY, LIMB-GIRDLE, AUTOSOMAL RECESSIVE 10. Identifiers: Orphanet 140922, MedGen C1837342, MONDO:0012127, OMIM 608807.
Hypertrophic cardiomyopathy. Also called: HYPERTROPHIC MYOCARDIOPATHY. Identifiers: Orphanet 217569, MedGen C0007194, MeSH D002312, MONDO:0005045, HP:0001639.

Allele frequency attached by ClinVar (database versions not stated): gnomAD exomes below 0.00001; ExAC 0.00001.
gnomAD v4.1: 3 of 1,614,008 alleles (0.00019%); highest among the groups gnomAD compares: Middle Eastern, 0.016%; no homozygotes.

Submissions (3):

Labcorp Genetics (formerly Invitae), Labcorp
Classification: Uncertain significance for Dilated cardiomyopathy 1G; Autosomal recessive limb-girdle muscular dystrophy type 2J. Last evaluated: 2024-11-13. Review status: criteria provided, single submitter. Criteria: Invitae Variant Classification Sherloc (09022015). Collection method: clinical testing. Allele origin: germline.
Comment: This sequence change replaces threonine, which is neutral and polar, with alanine, which is neutral and non-polar, at codon 34991 of the TTN protein (p.Thr34991Ala). This variant is present in population databases (rs764200285, gnomAD 0.002%). This variant has not been reported in the literature in individuals affected with TTN-related conditions. ClinVar contains an entry for this variant (Variation ID: 978730). Experimental studies and prediction algorithms are not available or were not evaluated, and the functional significance of this variant is currently unknown. This variant is located in the M band of TTN (PMID: 25589632). Non-truncating variants in this region may be relevant for neuromuscular disorders, but have not been definitively shown to cause cardiomyopathy (PMID: 23975875). In summary, the available evidence is currently insufficient to determine the role of this variant in disease. Therefore, it has been classified as a Variant of Uncertain Significance.

Breakthrough Genomics
Classification: Uncertain significance. Review status: criteria provided, single submitter. Criteria: ACMG Guidelines, 2015. Collection method: not provided. Allele origin: germline. Inheritance: Autosomal recessive inheritance. Affected: yes.

Genetics and Genomics Program, Sidra Medicine
Classification: Uncertain significance for Hypertrophic cardiomyopathy. Review status: criteria provided, single submitter. Criteria: ACMG Guidelines, 2015. Collection method: research. Allele origin: unknown. Affected: yes. Observed: 1 variant allele.

Literature cited by the submitters: PubMed 25589632 (cited by Labcorp Genetics (formerly Invitae), Labcorp); PubMed 23975875 (cited by Labcorp Genetics (formerly Invitae), Labcorp).

NM_001267550.2(TTN):c.104971A>G (p.Thr34991Ala)

Genes: TTN (titin; minus strand), TTN-AS1 (TTN antisense RNA 1; plus strand). Cytogenetic location: 2q31.2.
Variant type: single nucleotide variant.
Coding change: c.104971A>G on transcript NM_001267550.2 (MANE Select); coding-DNA position 104971, A replaced by G.
Protein change: p.Thr34991Ala; replaces threonine 34991 with alanine.
Molecular consequence: missense variant.
Genome position (GRCh38, 1-based): chr2:178,531,644, T>C on the plus strand (A>G on the coding strand, the complement: TTN is on the minus strand). VCF-style: chr2-178531644-T-C. GRCh37 (hg19) VCF-style: chr2-179396371-T-C.
Other names: c.100048A>G, p.Thr33350Ala (NM_001256850.1); c.77776A>G, p.Thr25926Ala (NM_003319.4); c.97267A>G, p.Thr32423Ala (NM_133378.4); c.78151A>G, p.Thr26051Ala (NM_133432.3); c.78352A>G, p.Thr26118Ala (NM_133437.4); short protein forms T25926A, T26051A, T26118A, T32423A, T33350A, T34991A.
Identifiers: ClinVar variation 978730 (VCV000978730.8), dbSNP rs764200285, ClinGen allele CA1985330.